The following is an entry in ClinVar:

NM_003036.4(SKI):c.2091C>G (p.His697Gln)

Gene: SKI (SKI proto-oncogene; plus strand). Cytogenetic location: 1p36.32.
Variant type: single nucleotide variant.
Coding change: c.2091C>G on transcript NM_003036.4 (MANE Select); coding-DNA position 2091, C replaced by G.
Protein change: p.His697Gln; replaces histidine 697 with glutamine.
Molecular consequence: missense variant.
Genome position (GRCh38, 1-based): chr1:2,306,669, C>G. VCF-style: chr1-2306669-C-G. GRCh37 (hg19) VCF-style: chr1-2238108-C-G.
Other names: short protein forms H697Q.
Identifiers: ClinVar variation 3573892 (VCV003573892.2).

ClinVar aggregate classification (germline): Uncertain significance. Review status: criteria provided, multiple submitters, no conflicts (2 of 4 stars). 2 submissions from 2 submitters: Uncertain significance (2). Last evaluated 2026-08-03.

Conditions:
Familial thoracic aortic aneurysm and aortic dissection (TAAD). Also called: Thoracic aortic aneurysms and dissections. Identifiers: Orphanet 91387, MedGen C4707243, MONDO:0019625.

gnomAD v4.1: 3 of 1,544,938 alleles (0.00019%); highest among the groups gnomAD compares: African/African-American, 0.0028%; no homozygotes.

Submissions (2):

Ambry Genetics
Classification: Uncertain significance for Familial thoracic aortic aneurysm and aortic dissection. Last evaluated: 2026-08-03. Review status: criteria provided, single submitter. Criteria: Ambry Variant Classification Scheme 2023. Collection method: clinical testing. Allele origin: germline.
Comment: The p.H697Q variant (also known as c.2091C>G), located in coding exon 7 of the SKI gene, results from a C to G substitution at nucleotide position 2091. The histidine at codon 697 is replaced by glutamine, an amino acid with highly similar properties. This amino acid position is conserved. In addition, the in silico prediction for this alteration is inconclusive. Based on the available evidence, the clinical significance of this variant remains unclear.

GeneDx
Classification: Uncertain significance. Last evaluated: 2024-07-19. Review status: criteria provided, single submitter. Criteria: GeneDx Variant Classification Process June 2021. Collection method: clinical testing. Allele origin: germline. Affected: yes.
Comment: In silico analysis indicates that this missense variant does not alter protein structure/function; Has not been previously published as pathogenic or benign to our knowledge